The following is an entry in ClinVar:

NM_134261.3(RORA):c.821-1G>C

Genes: RORA (RAR related orphan receptor A; minus strand), RORA-AS1 (RORA antisense RNA 1; plus strand). Cytogenetic location: 15q22.2.
Variant type: single nucleotide variant.
Coding change: c.821-1G>C on transcript NM_134261.3 (MANE Select); the canonical splice acceptor site of the intron before coding-DNA position 821, G replaced by C.
Molecular consequence: splice acceptor variant.
Genome position (GRCh38, 1-based): chr15:60,505,630, C>G on the plus strand (G>C on the coding strand, the complement: RORA is on the minus strand). VCF-style: chr15-60505630-C-G. GRCh37 (hg19) VCF-style: chr15-60797829-C-G.
Other names: c.920-1G>C (NM_134260.3); c.896-1G>C (NM_002943.4); c.656-1G>C (NM_134262.3).
Identifiers: ClinVar variation 1251925 (VCV001251925.1), dbSNP rs2141286878, ClinGen allele CA392669620.

ClinVar aggregate classification (germline): Likely pathogenic (1 of 4 stars; one submission).

Conditions:
Intellectual developmental disorder with or without epilepsy or cerebellar ataxia. Identifiers: MedGen C4748041, MONDO:0060745, OMIM 618060.

Submission:

HudsonAlpha Institute for Biotechnology
Classification: Likely pathogenic for Intellectual developmental disorder with or without epilepsy or cerebellar ataxia. Last evaluated: 2020-09-21. Review status: criteria provided, single submitter. Criteria: ACMG Guidelines, 2015. Collection method: research. Allele origin: paternal. Affected: yes. Observed: 1 variant allele. Study: HudsonAlpha-AGHI-WGS.
Comment: ACMG codes:PVS1, PM2